The following is an entry in ClinVar:

NM_020485.8(RHCE):c.883A>G (p.Met295Val)

Gene: RHCE (Rh blood group CcEe antigens; minus strand). Cytogenetic location: 1p36.11.
Variant type: single nucleotide variant.
Coding change: c.883A>G on transcript NM_020485.8 (MANE Select); coding-DNA position 883, A replaced by G.
Protein change: p.Met295Val; replaces methionine 295 with valine.
Molecular consequence: missense variant. On other transcripts: intron variant (1).
Genome position (GRCh38, 1-based): chr1:25,389,032, T>C on the plus strand (A>G on the coding strand, the complement: RHCE is on the minus strand). VCF-style: chr1-25389032-T-C. GRCh37 (hg19) VCF-style: chr1-25715523-T-C.
Other names: c.883A>G, p.Met295Val (NM_001330430.4, NM_138618.6); c.568A>G, p.Met190Val (NM_138617.5); c.487-3188A>G (NM_138616.5); short protein forms M190V, M295V.
Identifiers: ClinVar variation 1185563 (VCV001185563.2), dbSNP rs2124414255, ClinGen allele CA339066809.

ClinVar aggregate classification (germline): Affects (0 of 4 stars; one submission).

Conditions:
altered RhC expression.

Allele frequency attached by ClinVar (database versions not stated): gnomAD exomes below 0.00001.

Submission:

Australian Red Cross Blood Service
Classification: Affects for altered RhC expression. Review status: no assertion criteria provided. Collection method: research. Allele origin: inherited. Inheritance: Codominant.
Comment: genbank submission JX420300.1 (Author: Bugert,P., Rink,G., Goebel,M. and Scharberg,E.A.) reports c.883A>G as an RhC variant.